The following is an entry in ClinVar:

NM_001375883.1(GPR161):c.1127C>T (p.Ala376Val)

Gene: GPR161 (G protein-coupled receptor 161; minus strand). Cytogenetic location: 1q24.2.
Variant type: single nucleotide variant.
Coding change: c.1127C>T on transcript NM_001375883.1 (MANE Select); coding-DNA position 1127, C replaced by T.
Protein change: p.Ala376Val; replaces alanine 376 with valine.
Molecular consequence: missense variant.
Genome position (GRCh38, 1-based): chr1:168,090,641, G>A on the plus strand (C>T on the coding strand, the complement: GPR161 is on the minus strand). VCF-style: chr1-168090641-G-A. GRCh37 (hg19) VCF-style: chr1-168059879-G-A.
Other names: c.1187C>T, p.Ala396Val (NM_001267609.1); c.1127C>T, p.Ala376Val (NM_001267610.2, NM_001349632.1, NM_001349633.1 and 5 more transcripts); c.1178C>T, p.Ala393Val (NM_001267611.1); c.731C>T, p.Ala244Val (NM_001267612.2, NM_001349635.1); c.893C>T, p.Ala298Val (NM_001267613.1); c.785C>T, p.Ala262Val (NM_001267614.1); short protein forms A262V, A298V, A393V, A396V, A376V, A244V.
Identifiers: ClinVar variation 4673219 (VCV004673219.2).

ClinVar aggregate classification (germline): Uncertain significance. Review status: criteria provided, multiple submitters, no conflicts (2 of 4 stars). 2 submissions from 2 submitters: Uncertain significance (2). Last evaluated 2026-01-05.

Submissions (2):

Labcorp Genetics (formerly Invitae), Labcorp
Classification: Uncertain significance. Last evaluated: 2026-01-05. Review status: criteria provided, single submitter. Criteria: Invitae Variant Classification Sherloc (09022015). Collection method: clinical testing. Allele origin: germline.
Comment: This sequence change replaces alanine, which is neutral and non-polar, with valine, which is neutral and non-polar, at codon 396 of the GPR161 protein (p.Ala396Val). This variant is present in population databases (rs141914099, gnomAD 0.06%), and has an allele count higher than expected for a pathogenic variant. This variant has not been reported in the literature in individuals affected with GPR161-related conditions. An algorithm developed to predict the effect of missense changes on protein structure and function outputs the following: PolyPhen-2: "Benign". The valine amino acid residue is found in multiple mammalian species, which suggests that this missense change does not adversely affect protein function. In summary, the available evidence is currently insufficient to determine the role of this variant in disease. Therefore, it has been classified as a Variant of Uncertain Significance.

Ambry Genetics
Classification: Uncertain significance. Last evaluated: 2025-12-11. Review status: criteria provided, single submitter. Criteria: Ambry Variant Classification Scheme 2023. Collection method: clinical testing. Allele origin: germline.